The following is an entry in ClinVar:

ClinVar aggregate classification (germline): Uncertain significance (1 of 4 stars; one submission).

Allele frequency attached by ClinVar (database versions not stated): gnomAD exomes below 0.00001; ESP Exome Variant Server 0.00008.

Submission:

Labcorp Genetics (formerly Invitae), Labcorp
Classification: Uncertain significance. Last evaluated: 2022-03-20. Review status: criteria provided, single submitter. Criteria: Invitae Variant Classification Sherloc (09022015). Collection method: clinical testing. Allele origin: germline.
Comment: In summary, the available evidence is currently insufficient to determine the role of this variant in disease. Therefore, it has been classified as a Variant of Uncertain Significance. Algorithms developed to predict the effect of missense changes on protein structure and function are either unavailable or do not agree on the potential impact of this missense change (SIFT: "Deleterious"; PolyPhen-2: "Possibly Damaging"; Align-GVGD: "Class C0"). This variant has not been reported in the literature in individuals affected with DSCAML1-related conditions. This variant is not present in population databases (gnomAD no frequency). This sequence change replaces glutamic acid, which is acidic and polar, with lysine, which is basic and polar, at codon 355 of the DSCAML1 protein (p.Glu355Lys).

NM_020693.4(DSCAML1):c.883G>A (p.Glu295Lys)

Gene: DSCAML1 (DS cell adhesion molecule like 1; minus strand). Cytogenetic location: 11q23.3.
Variant type: single nucleotide variant.
Coding change: c.883G>A on transcript NM_020693.4 (MANE Select); coding-DNA position 883, G replaced by A.
Protein change: p.Glu295Lys; replaces glutamic acid 295 with lysine.
Molecular consequence: missense variant.
Genome position (GRCh38, 1-based): chr11:117,524,859, C>T on the plus strand (G>A on the coding strand, the complement: DSCAML1 is on the minus strand). VCF-style: chr11-117524859-C-T. GRCh37 (hg19) VCF-style: chr11-117395574-C-T.
Other names: c.883G>A, p.Glu295Lys (NM_001367904.1); c.475G>A, p.Glu159Lys (NM_001367905.1); short protein forms E159K, E295K.
Identifiers: ClinVar variation 2109829 (VCV002109829.4), dbSNP rs377565670, ClinGen allele CA229378418.
Genomic context (GRCh38, chr11:117,524,859, plus strand): 5'-ACTCACCAATGACCATGAGGATGCCTGTGGCCTCTGCCGAACCGAAGGTGTTGGTGACCT[C>T]ACAAATGTAGGTGCCGCTGTCCTCGGTCCGCAAGTCGCTGATGGTCAGCCCTGTGATGCG-3'
Protein context (NP_065744.3, residues 285-305): RTEDSGTYIC[Glu295Lys]VTNTFGSAEA